The following is an entry in ClinVar:

NM_000282.4(PCCA):c.1673A>G (p.Asn558Ser)

Gene: PCCA (propionyl-CoA carboxylase subunit alpha; plus strand). Cytogenetic location: 13q32.3.
Variant type: single nucleotide variant.
Coding change: c.1673A>G on transcript NM_000282.4 (MANE Select); coding-DNA position 1673, A replaced by G.
Protein change: p.Asn558Ser; replaces asparagine 558 with serine.
Molecular consequence: missense variant. On other transcripts: non-coding transcript variant (2).
Genome position (GRCh38, 1-based): chr13:100,368,501, A>G. VCF-style: chr13-100368501-A-G. GRCh37 (hg19) VCF-style: chr13-101020755-A-G.
Other names: c.1595A>G, p.Asn532Ser (NM_001127692.3, NM_001352607.2); c.1673A>G, p.Asn558Ser (NM_001178004.2, NM_001352605.2, NM_001352609.2); c.1529A>G, p.Asn510Ser (NM_001352606.2); c.1451A>G, p.Asn484Ser (NM_001352608.2); c.728A>G, p.Asn243Ser (NM_001352610.2, NM_001352611.2); c.584A>G, p.Asn195Ser (NM_001352612.2); short protein forms N195S, N243S, N484S, N510S, N532S, N558S.
Identifiers: ClinVar variation 4278653 (VCV004278653.1).

ClinVar aggregate classification (germline): Uncertain significance (1 of 4 stars; one submission).

gnomAD v4.1: 1 of 1,608,566 alleles (0.000062%); highest among the groups gnomAD compares: Non-Finnish European, 0.000085%; no homozygotes.

Submission:

GeneDx
Classification: Uncertain significance. Last evaluated: 2025-03-30. Review status: criteria provided, single submitter. Criteria: GeneDx Variant Classification Process June 2021. Collection method: clinical testing. Allele origin: germline. Affected: yes.
Comment: Not observed at significant frequency in large population cohorts (gnomAD); In silico analysis indicates that this missense variant does not alter protein structure/function; Has not been previously published as pathogenic or benign to our knowledge